The following is an entry in ClinVar:

NM_001005242.3(PKP2):c.1723G>T (p.Glu575Ter)

Gene: PKP2 (plakophilin 2; minus strand). Cytogenetic location: 12p11.21.
Variant type: single nucleotide variant.
Coding change: c.1723G>T on transcript NM_001005242.3 (MANE Select); coding-DNA position 1723, G replaced by T.
Protein change: p.Glu575Ter; replaces glutamic acid 575 with a stop codon.
Molecular consequence: nonsense.
Genome position (GRCh38, 1-based): chr12:32,822,583, C>A on the plus strand (G>T on the coding strand, the complement: PKP2 is on the minus strand). VCF-style: chr12-32822583-C-A. GRCh37 (hg19) VCF-style: chr12-32975517-C-A.
Other names: p.E619*:GAG>TAG; c.1855G>T, p.Glu619Ter (NM_004572.4); short protein forms E619*, E575*.
Identifiers: ClinVar variation 202033 (VCV000202033.6), dbSNP rs794729135, ClinGen allele CA011520.

ClinVar aggregate classification (germline): Likely pathogenic (1 of 4 stars; one submission).

Submission:

GeneDx
Classification: Likely pathogenic. Last evaluated: 2024-06-24. Review status: criteria provided, single submitter. Criteria: GeneDx Variant Classification Process June 2021. Collection method: clinical testing. Allele origin: germline. Affected: yes.
Comment: Nonsense variant predicted to result in protein truncation or nonsense mediated decay in a gene for which loss of function is a known mechanism of disease; Not observed at significant frequency in large population cohorts (gnomAD); Has not been previously published as pathogenic or benign to our knowledge